The following is an entry in ClinVar:

ClinVar aggregate classification (germline): Uncertain significance (1 of 4 stars; one submission).

Conditions:
Leigh syndrome (NULS). Also called: Leigh's necrotizing encephalopathy; Leigh's disease; Leigh Syndrome (mtDNA deletion); Leigh Disease; Subacute necrotizing encephalopathy; Necrotizing encephalopathy infantile subacute of Leigh. Identifiers: Orphanet 506, MedGen C2931891, MONDO:0009723, OMIM 256000.

Submission:

Wong Mito Lab, Molecular and Human Genetics, Baylor College of Medicine
Classification: Uncertain significance for Leigh syndrome. Last evaluated: 2019-10-17. Review status: criteria provided, single submitter. Criteria: Modified ACMG Guidelines (Unpublished). Collection method: clinical testing. Allele origin: germline.
Comment: The NC_012920.1:m.5295C>A (YP_003024027.1:p.Leu276Ile) variant in MTND2 gene is interpretated to be a Uncertain Significance variant based on the modified ACMG guidelines (unpublished). This variant meets the following evidence codes: BP4

NC_012920.1(MT-ND2):m.5295C>A

Gene: MT-ND2 (mitochondrially encoded NADH dehydrogenase 2; plus strand).
Variant type: single nucleotide variant.
Genome position: chrM-5295-C-A.
Identifiers: ClinVar variation 692569 (VCV000692569.1), dbSNP rs1556422970, ClinGen allele CA414779720.